The following is an entry in ClinVar:

ClinVar aggregate classification (germline): Uncertain significance (1 of 4 stars; one submission).

gnomAD v4.1: 1 of 1,560,770 alleles (0.000064%); highest among the groups gnomAD compares: Admixed American, 0.0019%; no homozygotes.

Submission:

Labcorp Genetics (formerly Invitae), Labcorp
Classification: Uncertain significance. Last evaluated: 2022-07-14. Review status: criteria provided, single submitter. Criteria: Invitae Variant Classification Sherloc (09022015). Collection method: clinical testing. Allele origin: germline.
Comment: In summary, the available evidence is currently insufficient to determine the role of this variant in disease. Therefore, it has been classified as a Variant of Uncertain Significance. Algorithms developed to predict the effect of missense changes on protein structure and function are either unavailable or do not agree on the potential impact of this missense change (SIFT: "Deleterious"; PolyPhen-2: "Not Available"; Align-GVGD: "Class C0"). This variant has not been reported in the literature in individuals affected with CDH23-related conditions. The frequency data for this variant in the population databases is considered unreliable, as metrics indicate poor data quality at this position in the gnomAD database. This sequence change replaces aspartic acid, which is acidic and polar, with asparagine, which is neutral and polar, at codon 1130 of the CDH23 protein (p.Asp1130Asn).

NM_022124.6(CDH23):c.3388G>A (p.Asp1130Asn)

Genes: C10orf105 (chromosome 10 open reading frame 105; minus strand), CDH23 (cadherin related 23; plus strand). Cytogenetic location: 10q22.1.
Variant type: single nucleotide variant.
Coding change: c.3388G>A on transcript NM_022124.6 (MANE Select); coding-DNA position 3388, G replaced by A.
Protein change: p.Asp1130Asn; replaces aspartic acid 1130 with asparagine.
Molecular consequence: missense variant. On other transcripts: intron variant (1).
Genome position (GRCh38, 1-based): chr10:71,724,063, G>A. VCF-style: chr10-71724063-G-A. GRCh37 (hg19) VCF-style: chr10-73483820-G-A.
Other names: c.3388G>A, p.Asp1130Asn (NM_001171930.2); c.-5-7721C>T (NM_001168390.2); short protein forms D1130N.
Identifiers: ClinVar variation 1713929 (VCV001713929.6), dbSNP rs1374962047, ClinGen allele CA377151077.